The following is an entry in ClinVar:

ClinVar aggregate classification (germline): Pathogenic (1 of 4 stars; one submission).

Submission:

GeneDx
Classification: Pathogenic. Last evaluated: 2018-08-16. Review status: criteria provided, single submitter. Criteria: GeneDx Variant Classification (06012015). Collection method: clinical testing. Allele origin: germline. Affected: yes.
Comment: The c.6041delA variant in the COL7A1 gene has not been reported previously as a pathogenic variant nor as a benign variant, to our knowledge. This variant causes a frameshift starting with codon Glutamine 2014, changes this amino acid to an Arginine residue, and creates a premature Stop codon at position 192 of the new reading frame, denoted p.Gln2014ArgfsX192. The c.6041delA variant is predicted to cause loss of normal protein function either through protein truncation or nonsense-mediated mRNA decay. This variant is not observed in large population cohorts (Lek et al., 2016). We interpret c.6041delA as a pathogenic variant.

NM_000094.4(COL7A1):c.6041del (p.Gln2014fs)

Gene: COL7A1 (collagen type VII alpha 1 chain; minus strand). Cytogenetic location: 3p21.31.
Variant type: Deletion.
Coding change: c.6041del on transcript NM_000094.4 (MANE Select); coding-DNA position 6041, one base deleted (A; older notation c.6041delA).
Protein change: p.Gln2014fs; shifts the reading frame from glutamine 2014.
Molecular consequence: frameshift variant.
Genome position (GRCh38, 1-based): chr3:48,575,478, T deleted on the plus strand (A on the coding strand, the reverse complement: COL7A1 is on the minus strand). VCF-style (leftmost placement, unchanged base first): chr3-48575477-CT-C. GRCh37 (hg19) VCF-style: chr3-48612910-CT-C.
Other names: short protein forms Q2014fs.
Identifiers: ClinVar variation 817763 (VCV000817763.1), dbSNP rs1575439903, ClinGen allele CA915942483.